The following is an entry in ClinVar:

NM_001367916.1(MAGT1):c.695C>A (p.Ser232Tyr)

Gene: MAGT1 (magnesium transporter 1; minus strand). Cytogenetic location: Xq21.1.
Variant type: single nucleotide variant.
Coding change: c.695C>A on transcript NM_001367916.1 (MANE Select); coding-DNA position 695, C replaced by A.
Protein change: p.Ser232Tyr; replaces serine 232 with tyrosine.
Molecular consequence: missense variant.
Genome position (GRCh38, 1-based): chrX:77,855,568, G>T on the plus strand (C>A on the coding strand, the complement: MAGT1 is on the minus strand). VCF-style: chrX-77855568-G-T. GRCh37 (hg19) VCF-style: chrX-77111065-G-T.
Other names: c.791C>A, p.Ser264Tyr (NM_032121.5); short protein forms S232Y, S264Y.
Identifiers: ClinVar variation 1494249 (VCV001494249.8), dbSNP rs2149017832, ClinGen allele CA413713508.

ClinVar aggregate classification (germline): Uncertain significance (1 of 4 stars; one submission).

Conditions:
X-linked immunodeficiency with magnesium defect, Epstein-Barr virus infection and neoplasia. Identifiers: Orphanet 317476, MedGen C3275445, MONDO:0010455, OMIM 300853.

Submission:

Labcorp Genetics (formerly Invitae), Labcorp
Classification: Uncertain significance for X-linked immunodeficiency with magnesium defect, Epstein-Barr virus infection and neoplasia. Last evaluated: 2021-05-28. Review status: criteria provided, single submitter. Criteria: Invitae Variant Classification Sherloc (09022015). Collection method: clinical testing. Allele origin: germline.
Comment: In summary, the available evidence is currently insufficient to determine the role of this variant in disease. Therefore, it has been classified as a Variant of Uncertain Significance. Algorithms developed to predict the effect of missense changes on protein structure and function are either unavailable or do not agree on the potential impact of this missense change (SIFT: "Deleterious"; PolyPhen-2: "Probably Damaging"; Align-GVGD: "Class C0"). This variant has not been reported in the literature in individuals with MAGT1-related conditions. This variant is not present in population databases (ExAC no frequency). This sequence change replaces serine with tyrosine at codon 264 of the MAGT1 protein (p.Ser264Tyr). The serine residue is highly conserved and there is a large physicochemical difference between serine and tyrosine.